The following is an entry in ClinVar:

NM_012268.4(PLD3):c.430-5C>T

Genes: MIR6796 (microRNA 6796; plus strand), PLD3 (phospholipase D family member 3; plus strand). Cytogenetic location: 19q13.2.
Variant type: single nucleotide variant.
Coding change: c.430-5C>T on transcript NM_012268.4 (MANE Select); 5 bases into the intron before coding-DNA position 430, C replaced by T.
Molecular consequence: intron variant. On other transcripts: non-coding transcript variant (1).
Genome position (GRCh38, 1-based): chr19:40,369,903, C>T. VCF-style: chr19-40369903-C-T. GRCh37 (hg19) VCF-style: chr19-40875810-C-T.
Other names: c.430-5C>T (NM_012268.3, NM_001031696.4, NM_001291311.2).
Identifiers: ClinVar variation 2044702 (VCV002044702.5), dbSNP rs3745199, ClinGen allele CA9442735.

ClinVar aggregate classification (germline): Benign/Likely benign. Review status: criteria provided, multiple submitters, no conflicts (2 of 4 stars). 2 submissions from 2 submitters: Benign (1); Likely benign (1). Last evaluated 2025-12-17.

Conditions:
PLD3-related disorder. Also called: PLD3-related condition.

Allele frequency attached by ClinVar (database versions not stated): 1000 Genomes Project 30x 0.00312; 1000 Genomes Project 0.00319.

Submissions (2):

Labcorp Genetics (formerly Invitae), Labcorp
Classification: Benign. Last evaluated: 2025-12-17. Review status: criteria provided, single submitter. Criteria: Invitae Variant Classification Sherloc (09022015). Collection method: clinical testing. Allele origin: germline.

PreventionGenetics, part of Exact Sciences
Classification: Likely benign for PLD3-related condition. Last evaluated: 2025-07-24. Review status: criteria provided, single submitter. Criteria: ACMG Guidelines, 2015. Collection method: clinical testing. Allele origin: germline.
Comment: This variant is classified as likely benign based on ACMG/AMP sequence variant interpretation guidelines (Richards et al. 2015 PMID: 25741868, with internal and published modifications).